The following is an entry in ClinVar:

NM_080680.3(COL11A2):c.1998C>T (p.Ile666=)

Gene: COL11A2 (collagen type XI alpha 2 chain; minus strand). Cytogenetic location: 6p21.32.
Variant type: single nucleotide variant.
Coding change: c.1998C>T on transcript NM_080680.3 (MANE Select); coding-DNA position 1998, C replaced by T.
Protein change: p.Ile666=; no amino-acid change (isoleucine 666 retained).
Molecular consequence: synonymous variant.
Genome position (GRCh38, 1-based): chr6:33,177,199, G>A on the plus strand (C>T on the coding strand, the complement: COL11A2 is on the minus strand). VCF-style: chr6-33177199-G-A. GRCh37 (hg19) VCF-style: chr6-33144976-G-A.
Other names: c.1677C>T, p.Ile559= (NM_080679.3); c.1740C>T, p.Ile580= (NM_080681.3).
Identifiers: ClinVar variation 1216332 (VCV001216332.15), dbSNP rs373989427, ClinGen allele CA3751089.

ClinVar aggregate classification (germline): Likely benign. Review status: criteria provided, multiple submitters, no conflicts (2 of 4 stars). 5 submissions from 5 submitters: Likely benign (4). 1 of the submissions does not count toward it. Last evaluated 2026-01-24.

Conditions:
COL11A2-related disorder. Also called: COL11A2-related condition; COL11A2-related disorders.

Allele frequency attached by ClinVar (database versions not stated): gnomAD exomes 0.00003 and 0.00009; ExAC 0.00012; gnomAD 0.00029; TOPMed 0.00033; ESP Exome Variant Server 0.00036; 1000 Genomes Project 0.00060; 1000 Genomes Project 30x 0.00062.
gnomAD v4.1: 97 of 1,613,008 alleles (0.006%); highest among the groups gnomAD compares: African/African-American, 0.088%; no homozygotes.

Submissions (5):

Labcorp Genetics (formerly Invitae), Labcorp
Classification: Likely benign. Last evaluated: 2026-01-24. Review status: criteria provided, single submitter. Criteria: Invitae Variant Classification Sherloc (09022015). Collection method: clinical testing. Allele origin: germline.

Women's Health and Genetics/Laboratory Corporation of America, LabCorp
Classification: Likely benign. Last evaluated: 2024-06-14. Review status: criteria provided, single submitter. Criteria: LabCorp Variant Classification Summary - May 2015. Collection method: clinical testing. Allele origin: germline.

Blueprint Genetics
Classification: Likely benign. Last evaluated: 2024-02-27. Review status: criteria provided, single submitter. Criteria: ACMG Guidelines, 2015. Collection method: clinical testing. Allele origin: germline.

GeneDx
Classification: Likely benign. Last evaluated: 2021-04-21. Review status: criteria provided, single submitter. Criteria: GeneDx Variant Classification Process June 2021. Collection method: clinical testing. Allele origin: germline. Affected: yes.

PreventionGenetics, part of Exact Sciences
Classification: Likely benign for COL11A2-related condition. Last evaluated: 2019-09-04. Review status: no assertion criteria provided. Collection method: clinical testing. Allele origin: germline. Not counted in ClinVar's aggregate classification.
Comment: This variant is classified as likely benign based on ACMG/AMP sequence variant interpretation guidelines (Richards et al. 2015 PMID: 25741868, with internal and published modifications).